The following is an entry in ClinVar:

NM_001365536.1(SCN9A):c.1402C>G (p.Leu468Val)

Genes: SCN9A (sodium voltage-gated channel alpha subunit 9; minus strand), SCN1A-AS1 (SCN1A and SCN9A antisense RNA 1; plus strand). Cytogenetic location: 2q24.3.
Variant type: single nucleotide variant.
Coding change: c.1402C>G on transcript NM_001365536.1 (MANE Select); coding-DNA position 1402, C replaced by G.
Protein change: p.Leu468Val; replaces leucine 468 with valine.
Molecular consequence: missense variant.
Genome position (GRCh38, 1-based): chr2:166,286,536, G>C on the plus strand (C>G on the coding strand, the complement: SCN9A is on the minus strand). VCF-style: chr2-166286536-G-C. GRCh37 (hg19) VCF-style: chr2-167143046-G-C.
Other names: c.1402C>G, p.Leu468Val (NM_002977.4); short protein forms L468V.
Identifiers: ClinVar variation 4792512 (VCV004792512.1).

ClinVar aggregate classification (germline): Uncertain significance (1 of 4 stars; one submission).

Conditions:
Neuropathy, hereditary sensory and autonomic, type 2A (HSAN2A). Also called: ACROOSTEOLYSIS, GIACCAI TYPE; ACROOSTEOLYSIS, NEUROGENIC; MORVAN DISEASE; NEUROPATHY, CONGENITAL SENSORY; NEUROPATHY, HEREDITARY SENSORY RADICULAR, AUTOSOMAL RECESSIVE; NEUROPATHY, HEREDITARY SENSORY, TYPE IIA. Identifiers: Orphanet 970, MedGen C2752089, MONDO:0024309, OMIM 201300.
Generalized epilepsy with febrile seizures plus, type 7 (GEFSP7). Also called: GEFS+, TYPE 7. Identifiers: Orphanet 36387, MedGen C2751778, MONDO:0013470, OMIM 613863.

Submission:

Labcorp Genetics (formerly Invitae), Labcorp
Classification: Uncertain significance for Neuropathy, hereditary sensory and autonomic, type 2A; Generalized epilepsy with febrile seizures plus, type 7. Last evaluated: 2025-03-31. Review status: criteria provided, single submitter. Criteria: Invitae Variant Classification Sherloc (09022015). Collection method: clinical testing. Allele origin: germline.
Comment: This sequence change replaces leucine, which is neutral and non-polar, with valine, which is neutral and non-polar, at codon 468 of the SCN9A protein (p.Leu468Val). This variant is not present in population databases (gnomAD no frequency). This variant has not been reported in the literature in individuals affected with SCN9A-related conditions. Invitae Evidence Modeling of protein sequence and biophysical properties (such as structural, functional, and spatial information, amino acid conservation, physicochemical variation, residue mobility, and thermodynamic stability) indicates that this missense variant is not expected to disrupt SCN9A protein function with a negative predictive value of 95%. In summary, the available evidence is currently insufficient to determine the role of this variant in disease. Therefore, it has been classified as a Variant of Uncertain Significance.